The following is an entry in ClinVar:

NM_000891.3(KCNJ2):c.291_293del (p.Phe99del)

Gene: KCNJ2 (potassium inwardly rectifying channel subfamily J member 2; plus strand). Cytogenetic location: 17q24.3.
Variant type: Deletion.
Coding change: c.291_293del on transcript NM_000891.3 (MANE Select); coding-DNA positions 291 to 293, 3 bases deleted (GTT; older notation c.291_293delGTT).
Protein change: p.Phe99del; deletes phenylalanine 99.
Molecular consequence: inframe deletion.
Genome position (GRCh38, 1-based): chr17:70,175,330-70,175,332, GTT deleted; deleting any 3 consecutive bases within chr17:70,175,329-70,175,332 gives the same sequence; the c. name uses the placement nearest the transcript's 3' end. VCF-style (leftmost placement, unchanged base first): chr17-70175328-CTGT-C. GRCh37 (hg19) VCF-style: chr17-68171469-CTGT-C.
Other names: short protein forms F99del.
Identifiers: ClinVar variation 999950 (VCV000999950.9), dbSNP rs2074386225, ClinGen allele CA2272996523.

ClinVar aggregate classification (germline): Uncertain significance (1 of 4 stars; one submission).

Conditions:
Andersen Tawil syndrome (LQT7). Also called: ANDERSEN CARDIODYSRHYTHMIC PERIODIC PARALYSIS; Potassium-sensitive periodic paralysis, ventricular ectopy, and dysmorphic features; PERIODIC PARALYSIS, POTASSIUM-SENSITIVE CARDIODYSRHYTHMIC TYPE; LONG QT SYNDROME 7; Andersen Syndrome. Identifiers: Orphanet 37553, MedGen C1563715, MONDO:0008222, OMIM 170390.
Short QT syndrome type 3. Identifiers: Orphanet 51083, MedGen C1865018, MONDO:0012314, OMIM 609622.

Submission:

Labcorp Genetics (formerly Invitae), Labcorp
Classification: Uncertain significance for Short QT syndrome type 3; Andersen Tawil syndrome. Last evaluated: 2020-01-23. Review status: criteria provided, single submitter. Criteria: Invitae Variant Classification Sherloc (09022015). Collection method: clinical testing. Allele origin: germline.
Comment: In summary, the available evidence is currently insufficient to determine the role of this variant in disease. Therefore, it has been classified as a Variant of Uncertain Significance. Experimental studies and prediction algorithms are not available or were not evaluated, and the functional significance of this variant is currently unknown. This variant has not been reported in the literature in individuals with KCNJ2-related conditions. This variant is not present in population databases (ExAC no frequency). This variant, c.291_293del, results in the deletion of 1 amino acid(s) of the KCNJ2 protein (p.Phe99del), but otherwise preserves the integrity of the reading frame.